The following is an entry in ClinVar:

NM_001458.5(FLNC):c.5323G>T (p.Val1775Leu)

Genes: FLNC (filamin C; plus strand), FLNC-AS1 (FLNC antisense RNA 1; minus strand). Cytogenetic location: 7q32.1.
Variant type: single nucleotide variant.
Coding change: c.5323G>T on transcript NM_001458.5 (MANE Select); coding-DNA position 5323, G replaced by T.
Protein change: p.Val1775Leu; replaces valine 1775 with leucine.
Molecular consequence: missense variant.
Genome position (GRCh38, 1-based): chr7:128,850,408, G>T. VCF-style: chr7-128850408-G-T. GRCh37 (hg19) VCF-style: chr7-128490462-G-T.
Other names: c.5224G>T, p.Val1742Leu (NM_001127487.2); short protein forms V1742L, V1775L.
Identifiers: ClinVar variation 2944517 (VCV002944517.4), dbSNP rs1239246149, ClinGen allele CA369204998.

ClinVar aggregate classification (germline): Uncertain significance. Review status: criteria provided, multiple submitters, no conflicts (2 of 4 stars). 2 submissions from 2 submitters: Uncertain significance (2). Last evaluated 2026-04-09.

Conditions:
Myofibrillar myopathy 5. Also called: FILAMINOPATHY, AUTOSOMAL DOMINANT; Filaminopathy (type). Identifiers: Orphanet 171445, MedGen C1836050, MONDO:0012289, OMIM 609524.
Distal myopathy with posterior leg and anterior hand involvement. Also called: WILLIAMS DISTAL MYOPATHY. Identifiers: Orphanet 63273, MedGen C3279722, MONDO:0013550, OMIM 614065.
Hypertrophic cardiomyopathy 26. Also called: Cardiomyopathy, familial hypertrophic, 26. Identifiers: Orphanet 75249, MedGen C4310749, MONDO:0014883, OMIM 617047.

Allele frequency attached by ClinVar (database versions not stated): TOPMed below 0.00001.

Submissions (2):

GeneDx
Classification: Uncertain significance. Last evaluated: 2026-04-09. Review status: criteria provided, single submitter. Criteria: GeneDx Variant Classification Process June 2021. Collection method: clinical testing. Allele origin: germline.
Comment: Not observed at significant frequency in large population cohorts (gnomAD); In silico analysis suggests that this missense variant does not alter protein structure/function; Has not been previously published as pathogenic or benign to our knowledge

Labcorp Genetics (formerly Invitae), Labcorp
Classification: Uncertain significance for Distal myopathy with posterior leg and anterior hand involvement; Myofibrillar myopathy 5; Hypertrophic cardiomyopathy 26. Last evaluated: 2025-02-27. Review status: criteria provided, single submitter. Criteria: Invitae Variant Classification Sherloc (09022015). Collection method: clinical testing. Allele origin: germline.
Comment: This sequence change replaces valine, which is neutral and non-polar, with leucine, which is neutral and non-polar, at codon 1775 of the FLNC protein (p.Val1775Leu). This variant is not present in population databases (gnomAD no frequency). This variant has not been reported in the literature in individuals affected with FLNC-related conditions. ClinVar contains an entry for this variant (Variation ID: 2944517). Invitae Evidence Modeling of protein sequence and biophysical properties (such as structural, functional, and spatial information, amino acid conservation, physicochemical variation, residue mobility, and thermodynamic stability) has been performed for this missense variant. However, the output from this modeling did not meet the statistical confidence thresholds required to predict the impact of this variant on FLNC protein function. In summary, the available evidence is currently insufficient to determine the role of this variant in disease. Therefore, it has been classified as a Variant of Uncertain Significance.